The following is an entry in ClinVar:

ClinVar aggregate classification (germline): Uncertain significance (1 of 4 stars; one submission).

Conditions:
Nephrolithiasis/nephrocalcinosis. Identifiers: MedGen CN580796.

Submission:

Ambry Genetics
Classification: Uncertain significance for Nephrolithiasis/nephrocalcinosis. Last evaluated: 2022-12-05. Review status: criteria provided, single submitter. Criteria: Ambry Variant Classification Scheme 2023. Collection method: clinical testing. Allele origin: germline.
Comment: The p.L443R variant (also known as c.1328T>G), located in coding exon 3 of the CASR gene, results from a T to G substitution at nucleotide position 1328. The leucine at codon 443 is replaced by arginine, an amino acid with dissimilar properties. This amino acid position is highly conserved in available vertebrate species. In addition, this alteration is predicted to be deleterious by in silico analysis. Since supporting evidence is limited at this time, the clinical significance of this alteration remains unclear.

NM_000388.4(CASR):c.1328T>G (p.Leu443Arg)

Gene: CASR (calcium sensing receptor; plus strand). Cytogenetic location: 3q21.1.
Variant type: single nucleotide variant.
Coding change: c.1328T>G on transcript NM_000388.4 (MANE Select); coding-DNA position 1328, T replaced by G.
Protein change: p.Leu443Arg; replaces leucine 443 with arginine.
Molecular consequence: missense variant.
Genome position (GRCh38, 1-based): chr3:122,262,363, T>G. VCF-style: chr3-122262363-T-G. GRCh37 (hg19) VCF-style: chr3-121981210-T-G.
Other names: c.1328T>G, p.Leu443Arg (NM_001178065.2); short protein forms L443R.
Identifiers: ClinVar variation 2447012 (VCV002447012.2), dbSNP rs2107633278, ClinGen allele CA354153147.